The following is an entry in ClinVar:

ClinVar aggregate classification (germline): Likely pathogenic. Review status: criteria provided, multiple submitters, no conflicts (2 of 4 stars). 2 submissions from 2 submitters: Likely pathogenic (2). Last evaluated 2025-04-25.

Conditions:
Hyperinsulinemic hypoglycemia, familial, 1 (HHF1). Also called: Persistent hyperinsulinemic hypoglycemia of infancy; Persistent Hyperinsulinemia Hypoglycemia of Infancy; HYPERINSULINISM, FAMILIAL, WITH PANCREATIC NESIDIOBLASTOSIS; HYPOGLYCEMIA, HYPERINSULINEMIC, OF INFANCY; NESIDIOBLASTOSIS OF PANCREAS. Identifiers: Orphanet 276575, Orphanet 276598, MedGen C2931832, MONDO:0009734, OMIM 256450.

Submissions (2):

3billion
Classification: Likely pathogenic for Hyperinsulinemic hypoglycemia, familial, 1. Last evaluated: 2025-04-25. Review status: criteria provided, single submitter. Criteria: ACMG Guidelines, 2015. Collection method: clinical testing. Allele origin: germline. Affected: yes.

Labcorp Genetics (formerly Invitae), Labcorp
Classification: Likely pathogenic. Last evaluated: 2023-08-05. Review status: criteria provided, single submitter. Criteria: Invitae Variant Classification Sherloc (09022015). Collection method: clinical testing. Allele origin: germline.
Comment: In summary, the currently available evidence indicates that the variant is pathogenic, but additional data are needed to prove that conclusively. Therefore, this variant has been classified as Likely Pathogenic. Algorithms developed to predict the effect of sequence changes on RNA splicing suggest that this variant may disrupt the consensus splice site. Disruption of this splice site has been observed in individual(s) with autosomal recessive familial hyperinsulinism or clinical features of focal hyperinsulinism (PMID: 28757749, 33240318). This variant is not present in population databases (gnomAD no frequency). This sequence change affects a donor splice site in intron 20 of the ABCC8 gene. It is expected to disrupt RNA splicing. Variants that disrupt the donor or acceptor splice site typically lead to a loss of protein function (PMID: 16199547), and loss-of-function variants in ABCC8 are known to be pathogenic (PMID: 20685672, 23345197).

Literature cited by the submitters: PubMed 28757749 (cited by Labcorp Genetics (formerly Invitae), Labcorp); PubMed 33240318 (cited by Labcorp Genetics (formerly Invitae), Labcorp); PubMed 16199547 (cited by Labcorp Genetics (formerly Invitae), Labcorp); PubMed 20685672 (cited by Labcorp Genetics (formerly Invitae), Labcorp); PubMed 23345197 (cited by Labcorp Genetics (formerly Invitae), Labcorp).

NM_000352.6(ABCC8):c.2475+1G>T

Genes: ABCC8 (ATP binding cassette subfamily C member 8; minus strand), LOC110121471 (VISTA enhancer hs1977; plus strand). Cytogenetic location: 11p15.1.
Variant type: single nucleotide variant.
Coding change: c.2475+1G>T on transcript NM_000352.6 (MANE Select); the canonical splice donor site of the intron after coding-DNA position 2475, G replaced by T.
Molecular consequence: splice donor variant.
Genome position (GRCh38, 1-based): chr11:17,413,393, C>A on the plus strand (G>T on the coding strand, the complement: ABCC8 is on the minus strand). VCF-style: chr11-17413393-C-A. GRCh37 (hg19) VCF-style: chr11-17434940-C-A.
Other names: c.2472+1G>T (NM_001351297.2); c.2475+1G>T (NM_001351296.2); c.2541+1G>T (NM_001351295.2); c.2478+1G>T (NM_001287174.3).
Identifiers: ClinVar variation 2750367 (VCV002750367.4), dbSNP rs772026262, ClinGen allele CA379808488.